The following is an entry in ClinVar:

ClinVar aggregate classification (germline): Uncertain significance (1 of 4 stars; one submission).

gnomAD v4.1: 15 of 1,613,946 alleles (0.00093%); highest among the groups gnomAD compares: Admixed American, 0.0033%; no homozygotes.

Submission:

Labcorp Genetics (formerly Invitae), Labcorp
Classification: Uncertain significance. Last evaluated: 2024-06-21. Review status: criteria provided, single submitter. Criteria: Invitae Variant Classification Sherloc (09022015). Collection method: clinical testing. Allele origin: germline.
Comment: This sequence change replaces glutamic acid, which is acidic and polar, with lysine, which is basic and polar, at codon 532 of the TCF20 protein (p.Glu532Lys). This variant is present in population databases (rs375297824, gnomAD 0.01%). This variant has not been reported in the literature in individuals affected with TCF20-related conditions. An algorithm developed to predict the effect of missense changes on protein structure and function (PolyPhen-2) suggests that this variant is likely to be disruptive. In summary, the available evidence is currently insufficient to determine the role of this variant in disease. Therefore, it has been classified as a Variant of Uncertain Significance.

NM_001378418.1(TCF20):c.1594G>A (p.Glu532Lys)

Gene: TCF20 (transcription factor 20; minus strand). Cytogenetic location: 22q13.2.
Variant type: single nucleotide variant.
Coding change: c.1594G>A on transcript NM_001378418.1 (MANE Select); coding-DNA position 1594, G replaced by A.
Protein change: p.Glu532Lys; replaces glutamic acid 532 with lysine.
Molecular consequence: missense variant.
Genome position (GRCh38, 1-based): chr22:42,213,712, C>T on the plus strand (G>A on the coding strand, the complement: TCF20 is on the minus strand). VCF-style: chr22-42213712-C-T. GRCh37 (hg19) VCF-style: chr22-42609718-C-T.
Other names: c.1594G>A, p.Glu532Lys (NM_005650.4, NM_181492.3); short protein forms E532K.
Identifiers: ClinVar variation 3716086 (VCV003716086.2).